The following is an entry in ClinVar:

ClinVar aggregate classification (germline): Pathogenic. Review status: reviewed by expert panel (3 of 4 stars). 3 submissions from 3 submitters: Pathogenic (1). 2 of the submissions do not count toward it. Last evaluated 2025-07-29.

Conditions:
Autosomal recessive limb-girdle muscular dystrophy. Identifiers: Orphanet 102015, MedGen C2931907, MONDO:0015152.
Neuromuscular disease caused by qualitative or quantitative defects of dysferlin. Also called: Dysferlinopathy; Qualitative or quantitative defects of dysferlin. Identifiers: Orphanet 207073, MedGen C2931687, MONDO:0016145.

Allele frequency attached by ClinVar (database versions not stated): gnomAD exomes below 0.00001 and 0.00001; gnomAD 0.00001.
gnomAD v4.1: 8 of 1,609,276 alleles (0.0005%); highest among the groups gnomAD compares: African/African-American, 0.0014%; no homozygotes.

Submissions (3):

ClinGen Limb Girdle Muscular Dystrophy Variant Curation Expert Panel, ClinGen
Classification: Pathogenic for Autosomal recessive limb-girdle muscular dystrophy. Last evaluated: 2025-07-29. Review status: reviewed by expert panel. Criteria: ClinGen LGMD VCEP ACMG Specifications DYSF V1.0.0. Collection method: curation. Allele origin: germline. Inheritance: Autosomal recessive inheritance.
Comment: The NM_003494.4: c.1177C>T p.(Glu393Ter) variant in DYSF, which is also known as NM_001130987.2: c.1273C>T p.(Gln425Ter), is a nonsense variant predicted to cause a premature stop codon in biologically relevant exon 12/55, leading to nonsense mediated decay in a gene in which loss of function is an established disease mechanism (PVS1). This variant has been identified with a second DYSF variant in at least three unrelated individuals with features consistent with LGMD (PMID: 18853459, 33610434; LOVD DYSF_000044), including in unconfirmed phase with a pathogenic variant (NM_003494.4: c.1180+5G>A, 0.5 pts, LOVD Individual #00215246; PM3_Supporting). At least one patient with this variant and a second presumed diagnostic DYSF variant had both a clinical diagnosis of LGMD and absent dysferlin protein expression in skeletal muscle, which is highly specific for DYSF-related LGMD (PP4_Strong; PMID: 33610434). The highest population allele frequency of this variant in gnomAD v.1.0 is 0.00001352 (1/73984 African/African American chromosomes), which is less than the LGMD VCEP threshold (≤0.0001) (PM2_Supporting). In summary, this variant meets the criteria to be classified as Pathogenic for autosomal recessive limb girdle muscular dystrophy based on the ACMG/AMP criteria applied, as specified by the ClinGen LGMD VCEP (LGMD VCEP specifications version 1.0.0; 07/29/2025): PVS1, PM3_Supporting, PP4_Strong, PM2_Supporting.

Labcorp Genetics (formerly Invitae), Labcorp
Classification: Pathogenic for Neuromuscular disease caused by qualitative or quantitative defects of dysferlin. Last evaluated: 2024-02-23. Review status: criteria provided, single submitter. Criteria: Invitae Variant Classification Sherloc (09022015). Collection method: clinical testing. Allele origin: germline. Not counted in ClinVar's aggregate classification.
Comment: This sequence change creates a premature translational stop signal (p.Gln393*) in the DYSF gene. It is expected to result in an absent or disrupted protein product. Loss-of-function variants in DYSF are known to be pathogenic (PMID: 17698709, 20301480). The frequency data for this variant in the population databases is considered unreliable, as metrics indicate poor data quality at this position in the gnomAD database. This premature translational stop signal has been observed in individual(s) with limb-girdle muscular dystrophy (PMID: 18853459, 33610434). ClinVar contains an entry for this variant (Variation ID: 429885). For these reasons, this variant has been classified as Pathogenic.

GeneDx
Classification: Pathogenic. Last evaluated: 2016-06-10. Review status: criteria provided, single submitter. Criteria: GeneDx Variant Classification (06012015). Collection method: clinical testing. Allele origin: germline. Affected: yes. Not counted in ClinVar's aggregate classification.
Comment: The Q393X pathogenic nonsense variant in the DYSF gene has been previously reported in patients with dysferlin deficiency, who also harbored an additional DYSF variant (Krahn et al., 2009). The Q393X variant is predicted to cause loss of normal protein function either through protein truncation or nonsense-mediated mRNA decay. Q393X was not observed in approximately 6,500 individuals of European and African American background, indicating it is not a common benign variant in these populations. Therefore, Q393X is considered a pathogenic variant.

Literature cited by the submitters: PubMed 17698709 (cited by Labcorp Genetics (formerly Invitae), Labcorp); PubMed 20301480 (cited by Labcorp Genetics (formerly Invitae), Labcorp); PubMed 18853459 (cited by Labcorp Genetics (formerly Invitae), Labcorp); PubMed 33610434 (cited by Labcorp Genetics (formerly Invitae), Labcorp).

NM_001130987.2(DYSF):c.1273C>T (p.Gln425Ter)

Gene: DYSF (dysferlin; plus strand). Cytogenetic location: 2p13.2.
Variant type: single nucleotide variant.
Coding change: c.1273C>T on transcript NM_001130987.2 (MANE Select); coding-DNA position 1273, C replaced by T.
Protein change: p.Gln425Ter; replaces glutamine 425 with a stop codon.
Molecular consequence: nonsense.
Genome position (GRCh38, 1-based): chr2:71,526,343, C>T. VCF-style: chr2-71526343-C-T. GRCh37 (hg19) VCF-style: chr2-71753473-C-T.
Other names: NM_001130987.2(DYSF):c.1273C>T; p.Gln425Ter; c.1180C>T, p.Gln394Ter (NM_001130455.2, NM_001130983.2, NM_001130984.2 and 1 more transcripts); c.1177C>T, p.Gln393Ter (NM_001130976.2, NM_001130977.2, NM_001130978.2 and 1 more transcripts); c.1270C>T, p.Gln424Ter (NM_001130979.2, NM_001130980.2, NM_001130981.2); c.1273C>T, p.Gln425Ter (NM_001130982.2, NM_001130985.2); short protein forms Q393*, Q425*, Q424*, Q394*.
Identifiers: ClinVar variation 429885 (VCV000429885.6), dbSNP rs1131691651, ClinGen allele CA347213670.